The following is an entry in ClinVar:

ClinVar aggregate classification (germline): Likely pathogenic. Review status: criteria provided, multiple submitters, no conflicts (2 of 4 stars). 2 submissions from 2 submitters: Likely pathogenic (2). Last evaluated 2024-02-29.

Conditions:
Werner syndrome (WRN). Identifiers: Orphanet 902, MedGen C0043119, MONDO:0010196, OMIM 277700.

Allele frequency attached by ClinVar (database versions not stated): TOPMed below 0.00001.
gnomAD v4.1: 1 of 1,613,338 alleles (0.000062%); highest among the groups gnomAD compares: Admixed American, 0.0017%; no homozygotes.

Submissions (2):

Labcorp Genetics (formerly Invitae), Labcorp
Classification: Likely pathogenic for Werner syndrome. Last evaluated: 2024-02-29. Review status: criteria provided, single submitter. Criteria: Invitae Variant Classification Sherloc (09022015). Collection method: clinical testing. Allele origin: germline.
Comment: This sequence change affects a donor splice site in intron 2 of the WRN gene. It is expected to disrupt RNA splicing. Variants that disrupt the donor or acceptor splice site typically lead to a loss of protein function (PMID: 16199547), and loss-of-function variants in WRN are known to be pathogenic (PMID: 16673358). This variant is present in population databases (no rsID available, gnomAD 0.003%). This variant has not been reported in the literature in individuals affected with WRN-related conditions. ClinVar contains an entry for this variant (Variation ID: 1990047). Algorithms developed to predict the effect of sequence changes on RNA splicing suggest that this variant may disrupt the consensus splice site. In summary, the currently available evidence indicates that the variant is pathogenic, but additional data are needed to prove that conclusively. Therefore, this variant has been classified as Likely Pathogenic.

Baylor Genetics
Classification: Likely pathogenic for Werner syndrome. Last evaluated: 2022-04-29. Review status: criteria provided, single submitter. Criteria: ACMG Guidelines, 2015. Collection method: clinical testing. Allele origin: unknown.

Literature cited by the submitters: PubMed 16199547 (cited by Labcorp Genetics (formerly Invitae), Labcorp); PubMed 16673358 (cited by Labcorp Genetics (formerly Invitae), Labcorp).

NM_000553.6(WRN):c.96+1G>A

Gene: WRN (WRN RecQ like helicase; plus strand). Cytogenetic location: 8p12.
Variant type: single nucleotide variant.
Coding change: c.96+1G>A on transcript NM_000553.6 (MANE Select); the canonical splice donor site of the intron after coding-DNA position 96, G replaced by A.
Molecular consequence: splice donor variant.
Genome position (GRCh38, 1-based): chr8:31,058,544, G>A. VCF-style: chr8-31058544-G-A. GRCh37 (hg19) VCF-style: chr8-30916060-G-A.
Identifiers: ClinVar variation 1990047 (VCV001990047.5), dbSNP rs1258953831, ClinGen allele CA370912300.